The following is an entry in ClinVar:

ClinVar aggregate classification (germline): Uncertain significance (1 of 4 stars; one submission).

Conditions:
DICER1-related tumor predisposition. Also called: DICER1 syndrome; DICER1-related pleuropulmonary blastoma cancer predisposition syndrome. Identifiers: Orphanet 284343, MedGen C3839822, MONDO:0100216.

Submission:

Labcorp Genetics (formerly Invitae), Labcorp
Classification: Uncertain significance for DICER1-related tumor predisposition. Last evaluated: 2023-07-29. Review status: criteria provided, single submitter. Criteria: Invitae Variant Classification Sherloc (09022015). Collection method: clinical testing. Allele origin: germline.
Comment: This sequence change replaces alanine, which is neutral and non-polar, with threonine, which is neutral and polar, at codon 1627 of the DICER1 protein (p.Ala1627Thr). This variant is not present in population databases (gnomAD no frequency). This variant has not been reported in the literature in individuals affected with DICER1-related conditions. ClinVar contains an entry for this variant (Variation ID: 1721026). Algorithms developed to predict the effect of missense changes on protein structure and function output the following: SIFT: "Not Available"; PolyPhen-2: "Benign"; Align-GVGD: "Not Available". The threonine amino acid residue is found in multiple mammalian species, which suggests that this missense change does not adversely affect protein function. In summary, the available evidence is currently insufficient to determine the role of this variant in disease. Therefore, it has been classified as a Variant of Uncertain Significance.

NM_177438.3(DICER1):c.4879G>A (p.Ala1627Thr)

Gene: DICER1 (dicer 1, ribonuclease III; minus strand). Cytogenetic location: 14q32.13.
Variant type: single nucleotide variant.
Coding change: c.4879G>A on transcript NM_177438.3 (MANE Select); coding-DNA position 4879, G replaced by A.
Protein change: p.Ala1627Thr; replaces alanine 1627 with threonine.
Molecular consequence: missense variant. On other transcripts: non-coding transcript variant (6).
Genome position (GRCh38, 1-based): chr14:95,096,041, C>T on the plus strand (G>A on the coding strand, the complement: DICER1 is on the minus strand). VCF-style: chr14-95096041-C-T. GRCh37 (hg19) VCF-style: chr14-95562378-C-T.
Other names: c.4879G>A, p.Ala1627Thr (NM_001195573.1, NM_001271282.3, NM_001291628.2 and 13 more transcripts); c.4597G>A, p.Ala1533Thr (NM_001395686.1); c.4474G>A, p.Ala1492Thr (NM_001395687.1, NM_001395688.1, NM_001395689.1 and 2 more transcripts); c.4312G>A, p.Ala1438Thr (NM_001395691.1); c.3196G>A, p.Ala1066Thr (NM_001395697.1); short protein forms A1066T, A1438T, A1492T, A1533T, A1627T.
Identifiers: ClinVar variation 1721026 (VCV001721026.6), dbSNP rs2139841278, ClinGen allele CA390866544.